The following is an entry in ClinVar:

ClinVar aggregate classification (germline): Uncertain significance (1 of 4 stars; one submission).

Submission:

GeneDx
Classification: Uncertain significance. Last evaluated: 2025-07-04. Review status: criteria provided, single submitter. Criteria: GeneDx Variant Classification Process June 2021. Collection method: clinical testing. Allele origin: germline. Affected: yes.
Comment: Not observed at significant frequency in large population cohorts (gnomAD); In silico analysis supports that this missense variant has a deleterious effect on protein structure/function; Has not been previously published as pathogenic or benign to our knowledge

NM_001145358.2(SIN3A):c.2341T>G (p.Tyr781Asp)

Gene: SIN3A (SIN3 transcription regulator family member A; minus strand). Cytogenetic location: 15q24.2.
Variant type: single nucleotide variant.
Coding change: c.2341T>G on transcript NM_001145358.2 (MANE Select); coding-DNA position 2341, T replaced by G.
Protein change: p.Tyr781Asp; replaces tyrosine 781 with aspartic acid.
Molecular consequence: missense variant.
Genome position (GRCh38, 1-based): chr15:75,392,752, A>C on the plus strand (T>G on the coding strand, the complement: SIN3A is on the minus strand). VCF-style: chr15-75392752-A-C. GRCh37 (hg19) VCF-style: chr15-75685093-A-C.
Other names: c.2341T>G, p.Tyr781Asp (NM_001145357.2, NM_001437462.1, NM_001437463.1 and 1 more transcripts); short protein forms Y781D.
Identifiers: ClinVar variation 4681171 (VCV004681171.1).
Genomic context (GRCh38, chr15:75,392,752, plus strand): 5'-GCCTCTTCACATGGTGGATAATCAGAGCAGCAGCATCTTCCAGTATTTGTTTGTCTTCAT[A>C]CGCAAGTGAGAGGTGTGGGCCAACAGGTACACCAGCATTCTCCTCCGTAGCCTGCTCTTG-3'
Protein context (NP_001138830.1, residues 771-791): VPVGPHLSLA[Tyr781Asp]EDKQILEDAA